The following is an entry in ClinVar:

ClinVar aggregate classification (germline): Uncertain significance (1 of 4 stars; one submission).

Submission:

Labcorp Genetics (formerly Invitae), Labcorp
Classification: Uncertain significance. Last evaluated: 2024-02-23. Review status: criteria provided, single submitter. Criteria: Invitae Variant Classification Sherloc (09022015). Collection method: clinical testing. Allele origin: germline.
Comment: This sequence change replaces valine, which is neutral and non-polar, with isoleucine, which is neutral and non-polar, at codon 505 of the LMNB1 protein (p.Val505Ile). This variant is not present in population databases (gnomAD no frequency). This variant has not been reported in the literature in individuals affected with LMNB1-related conditions. Advanced modeling of protein sequence and biophysical properties (such as structural, functional, and spatial information, amino acid conservation, physicochemical variation, residue mobility, and thermodynamic stability) performed at Invitae indicates that this missense variant is not expected to disrupt LMNB1 protein function with a negative predictive value of 80%. In summary, the available evidence is currently insufficient to determine the role of this variant in disease. Therefore, it has been classified as a Variant of Uncertain Significance.

NM_005573.4(LMNB1):c.1513G>A (p.Val505Ile)

Gene: LMNB1 (lamin B1; plus strand). Cytogenetic location: 5q23.2.
Variant type: single nucleotide variant.
Coding change: c.1513G>A on transcript NM_005573.4 (MANE Select); coding-DNA position 1513, G replaced by A.
Protein change: p.Val505Ile; replaces valine 505 with isoleucine.
Molecular consequence: missense variant. On other transcripts: non-coding transcript variant (2).
Genome position (GRCh38, 1-based): chr5:126,826,009, G>A. VCF-style: chr5-126826009-G-A. GRCh37 (hg19) VCF-style: chr5-126161701-G-A.
Other names: c.883G>A, p.Val295Ile (NM_001198557.2); short protein forms V295I, V505I.
Identifiers: ClinVar variation 2993521 (VCV002993521.3), dbSNP rs2479560453, ClinGen allele CA360729578.